The following is an entry in ClinVar:

ClinVar aggregate classification (germline): Benign/Likely benign. Review status: criteria provided, multiple submitters, no conflicts (2 of 4 stars). 4 submissions from 4 submitters: Benign (1); Likely benign (3). Last evaluated 2025-12-17.

Conditions:
Hereditary cancer-predisposing syndrome. Also called: Neoplastic Syndromes, Hereditary; Hereditary neoplastic syndrome; Hereditary Cancer Syndrome; Tumor predisposition. Identifiers: Orphanet 140162, MedGen C0027672, MeSH D009386, MONDO:0015356.
Hereditary diffuse gastric adenocarcinoma (HDGC). Also called: DIFFUSE GASTRIC AND LOBULAR BREAST CANCER SYNDROME. Identifiers: Orphanet 26106, MedGen C1708349, MONDO:0007648, OMIM 137215.

Allele frequency attached by ClinVar (database versions not stated): ExAC 0.00001; gnomAD 0.00001; gnomAD exomes 0.00001; TOPMed 0.00001.
gnomAD v4.1: 10 of 1,613,984 alleles (0.00062%); highest among the groups gnomAD compares: South Asian, 0.0022%; no homozygotes.

Submissions (4):

Labcorp Genetics (formerly Invitae), Labcorp
Classification: Likely benign. Last evaluated: 2025-12-17. Review status: criteria provided, single submitter. Criteria: Invitae Variant Classification Sherloc (09022015). Collection method: clinical testing. Allele origin: germline.

Myriad Genetics, Inc.
Classification: Benign for Hereditary diffuse gastric adenocarcinoma. Last evaluated: 2024-10-14. Review status: criteria provided, single submitter. Criteria: Myriad Autosomal Dominant, Autosomal Recessive and X-Linked Classification Criteria (2023). Collection method: clinical testing. Allele origin: unknown.
Comment: This variant is considered benign. This variant is a silent/synonymous amino acid change and it is not expected to impact splicing.

Blueprint Genetics
Classification: Likely benign. Last evaluated: 2024-10-03. Review status: criteria provided, single submitter. Criteria: ACMG Guidelines, 2015. Collection method: clinical testing. Allele origin: germline.

Ambry Genetics
Classification: Likely benign for Hereditary cancer-predisposing syndrome. Last evaluated: 2021-01-22. Review status: criteria provided, single submitter. Criteria: Ambry Variant Classification Scheme 2023. Collection method: clinical testing. Allele origin: germline.

NM_001903.5(CTNNA1):c.1800G>A (p.Ser600=)

Gene: CTNNA1 (catenin alpha 1; plus strand). Cytogenetic location: 5q31.2.
Variant type: single nucleotide variant.
Coding change: c.1800G>A on transcript NM_001903.5 (MANE Select); coding-DNA position 1800, G replaced by A.
Protein change: p.Ser600=; no amino-acid change (serine 600 retained).
Molecular consequence: synonymous variant.
Genome position (GRCh38, 1-based): chr5:138,925,308, G>A. VCF-style: chr5-138925308-G-A. GRCh37 (hg19) VCF-style: chr5-138260997-G-A.
Other names: c.1800G>A, p.Ser600= (NM_001290307.3, NM_001323982.2, NM_001323983.1 and 2 more transcripts); c.1491G>A, p.Ser497= (NM_001290309.3); c.1431G>A, p.Ser477= (NM_001290310.3); c.690G>A, p.Ser230= (NM_001290312.1, NM_001323987.1, NM_001323988.1 and 17 more transcripts); c.1707G>A, p.Ser569= (NM_001323986.2); c.351G>A, p.Ser117= (NM_001324006.1, NM_001324007.1, NM_001324008.1 and 2 more transcripts); c.597G>A, p.Ser199= (NM_001324011.1); c.447G>A, p.Ser149= (NM_001324012.1, NM_001324013.1).
Identifiers: ClinVar variation 699167 (VCV000699167.15), dbSNP rs767250173, ClinGen allele CA3432038.